The following is an entry in ClinVar:

ClinVar aggregate classification (germline): Likely pathogenic (1 of 4 stars; one submission).

Submission:

Labcorp Genetics (formerly Invitae), Labcorp
Classification: Likely pathogenic. Last evaluated: 2022-11-11. Review status: criteria provided, single submitter. Criteria: Invitae Variant Classification Sherloc (09022015). Collection method: clinical testing. Allele origin: germline.
Comment: This sequence change affects an acceptor splice site in intron 39 of the PIKFYVE gene. It is expected to disrupt RNA splicing. Variants that disrupt the donor or acceptor splice site typically lead to a loss of protein function (PMID: 16199547), and loss-of-function variants in PIKFYVE are known to be pathogenic (PMID: 15902656, 23288988, 26396486). This variant is not present in population databases (gnomAD no frequency). This variant has not been reported in the literature in individuals affected with PIKFYVE-related conditions. ClinVar contains an entry for this variant (Variation ID: 852268). Algorithms developed to predict the effect of sequence changes on RNA splicing suggest that this variant may disrupt the consensus splice site. In summary, the currently available evidence indicates that the variant is pathogenic, but additional data are needed to prove that conclusively. Therefore, this variant has been classified as Likely Pathogenic.

Literature cited by the submitters: PubMed 16199547; PubMed 15902656; PubMed 23288988; PubMed 26396486.

NM_015040.4(PIKFYVE):c.5845-2A>T

Gene: PIKFYVE (phosphoinositide kinase, FYVE-type zinc finger containing; plus strand). Cytogenetic location: 2q34.
Variant type: single nucleotide variant.
Coding change: c.5845-2A>T on transcript NM_015040.4 (MANE Select); the canonical splice acceptor site of the intron before coding-DNA position 5845, A replaced by T.
Molecular consequence: splice acceptor variant.
Genome position (GRCh38, 1-based): chr2:208,353,896, A>T. VCF-style: chr2-208353896-A-T. GRCh37 (hg19) VCF-style: chr2-209218620-A-T.
Identifiers: ClinVar variation 852268 (VCV000852268.8), dbSNP rs1699994369, ClinGen allele CA350107664.